The following is an entry in ClinVar:

NM_001348716.2(KDM6B):c.950C>T (p.Ala317Val)

Gene: KDM6B (lysine demethylase 6B; plus strand). Cytogenetic location: 17p13.1.
Variant type: single nucleotide variant.
Coding change: c.950C>T on transcript NM_001348716.2 (MANE Select); coding-DNA position 950, C replaced by T.
Protein change: p.Ala317Val; replaces alanine 317 with valine.
Molecular consequence: missense variant.
Genome position (GRCh38, 1-based): chr17:7,847,145, C>T. VCF-style: chr17-7847145-C-T. GRCh37 (hg19) VCF-style: chr17-7750463-C-T.
Other names: c.950C>T, p.Ala317Val (NM_001080424.2); short protein forms A317V.
Identifiers: ClinVar variation 2592228 (VCV002592228.4), dbSNP rs746684469, ClinGen allele CA8360457.
Genomic context (GRCh38, chr17:7,847,145, plus strand): 5'-TCCCTGTTTATCTCCTATAGGAGCAGCGGCACTCGCTGCCTCACCCATATCCATACCCAG[C>T]TCCAGCGTACACCGCGCACCCCCCTGGCCACCGGCTGGTCCCGGCTGCTCCCCCAGGCCC-3'
Protein context (NP_001335645.1, residues 307-327): HSLPHPYPYP[Ala317Val]PAYTAHPPGH

ClinVar aggregate classification (germline): Likely benign. Review status: criteria provided, multiple submitters, no conflicts (2 of 4 stars). 2 submissions from 2 submitters: Likely benign (2). Last evaluated 2026-06-01.

Conditions:
Inborn genetic diseases. Identifiers: MedGen C0950123, MeSH D030342.

Allele frequency attached by ClinVar (database versions not stated): ExAC 0.00007; gnomAD 0.00007; TOPMed 0.00008; gnomAD exomes 0.00009.

Submissions (2):

CeGaT Center for Human Genetics Tuebingen
Classification: Likely benign. Last evaluated: 2026-06-01. Review status: criteria provided, single submitter. Criteria: CeGaT Center For Human Genetics Tuebingen Variant Classification Criteria Version 2. Collection method: clinical testing. Allele origin: germline. Affected: yes. Observed: 1 variant allele.
Comment: KDM6B: BS1:Supporting

Ambry Genetics
Classification: Likely benign for Inborn genetic diseases. Last evaluated: 2023-08-19. Review status: criteria provided, single submitter. Criteria: Ambry Variant Classification Scheme 2023. Collection method: clinical testing. Allele origin: germline.